The following is an entry in ClinVar:

NM_152443.3(RDH12):c.697_698dup (p.Arg234fs)

Genes: GPHN (gephyrin; plus strand), RDH12 (retinol dehydrogenase 12; plus strand), ZFYVE26 (zinc finger FYVE-type containing 26; minus strand). Cytogenetic location: 14q24.1.
Variant type: Duplication.
Coding change: c.697_698dup on transcript NM_152443.3 (MANE Select); coding-DNA positions 697 to 698, 2 bases duplicated (GT; older notation c.697_698dupGT).
Protein change: p.Arg234fs; shifts the reading frame from arginine 234.
Molecular consequence: frameshift variant.
Genome position (GRCh38, 1-based): chr14:67,729,229-67,729,230, GT duplicated. VCF-style (leftmost placement, unchanged base first): chr14-67729228-C-CGT. GRCh37 (hg19) VCF-style: chr14-68195945-C-CGT.
Other names: c.697_698dup (NM_152443.2); short protein forms R234fs.
Identifiers: ClinVar variation 2137598 (VCV002137598.8), dbSNP rs2038232781, ClinGen allele CA2144004342.
Genomic context (GRCh38, chr14:67,729,228, plus strand): 5'-TAATTGTGCCCTCTTTGTCCCAGGCACCGGGGTCACCACCTACGCAGTGCACCCAGGCGT[C>CGT]GTCCGCTCTGAGCTGGTCCGGCACTCCTCCCTGCTCTGCCTGCTCTGGCGGCTCTTCTCC-3'

ClinVar aggregate classification (germline): Pathogenic. Review status: criteria provided, multiple submitters, no conflicts (2 of 4 stars). 2 submissions from 2 submitters: Pathogenic (2). Last evaluated 2025-03-04.

Conditions:
Leber congenital amaurosis 13 (LCA13). Identifiers: MedGen C2675186, MONDO:0012990, OMIM 612712.
Leber congenital amaurosis (LCA). Also called: Leber's amaurosis. Identifiers: Orphanet 65, MedGen C0339527, MeSH D057130, MONDO:0018998.

Allele frequency attached by ClinVar (database versions not stated): TOPMed 0.00001.

Submissions (2):

Natera, Inc.
Classification: Pathogenic for Leber congenital amaurosis. Last evaluated: 2025-03-04. Review status: criteria provided, single submitter. Criteria: Natera Variant Classification Schema (03/2026). Collection method: clinical testing. Allele origin: germline.
Comment: The c.697_698dup variant in RDH12 is a frameshift variant predicted to shift the reading frame beginning at codon 234 and leads to a stop codon 45 codons downstream. This variant is expected to result in nonsense mediated decay, truncation, or a dysfunctional protein product. This variant is rare in the general population with a frequency below the threshold expected for the associated phenotype(s). This variant has been observed in one or more individuals affected with the associated recessive disease, as either homozygous or compound heterozygous with a second variant (PMID: 22065924). Given the available evidence, this variant is classified as Pathogenic.

Labcorp Genetics (formerly Invitae), Labcorp
Classification: Pathogenic for Leber congenital amaurosis 13. Last evaluated: 2024-01-19. Review status: criteria provided, single submitter. Criteria: Invitae Variant Classification Sherloc (09022015). Collection method: clinical testing. Allele origin: germline.
Comment: This sequence change creates a premature translational stop signal (p.Arg234Serfs*45) in the RDH12 gene. While this is not anticipated to result in nonsense mediated decay, it is expected to disrupt the last 83 amino acid(s) of the RDH12 protein. This variant is not present in population databases (gnomAD no frequency). This premature translational stop signal has been observed in individual(s) with autosomal recessive RDH12-related conditions (PMID: 22065924). This variant is also known as c.698insGT (p.V233VfsX45). ClinVar contains an entry for this variant (Variation ID: 2137598). This variant disrupts a region of the RDH12 protein in which other variant(s) (p.Trp304*) have been determined to be pathogenic (PMID: 20736127, 24625443; Invitae). This suggests that this is a clinically significant region of the protein, and that variants that disrupt it are likely to be disease-causing. For these reasons, this variant has been classified as Pathogenic.

Literature cited by the submitters: PubMed 22065924 (cited by Natera, Inc. and Labcorp Genetics (formerly Invitae), Labcorp); PubMed 20736127 (cited by Labcorp Genetics (formerly Invitae), Labcorp); PubMed 24625443 (cited by Labcorp Genetics (formerly Invitae), Labcorp).